The following is an entry in ClinVar:

NM_000238.4(KCNH2):c.3099_3109del (p.Pro1034fs)

Gene: KCNH2 (potassium voltage-gated channel subfamily H member 2; minus strand). Cytogenetic location: 7q36.1.
Variant type: Deletion.
Coding change: c.3099_3109del on transcript NM_000238.4 (MANE Select); coding-DNA positions 3099 to 3109, 11 bases deleted (GCCCCGGGGCG).
Protein change: p.Pro1034fs; shifts the reading frame from proline 1034.
Molecular consequence: frameshift variant.
Genome position (GRCh38, 1-based): chr7:150,947,371-150,947,381, CGCCCCGGGGC deleted on the plus strand (GCCCCGGGGCG on the coding strand, the reverse complement: KCNH2 is on the minus strand); deleting any 11 consecutive bases within chr7:150,947,371-150,947,385 gives the same sequence; the c. name uses the placement nearest the transcript's 3' end. VCF-style (leftmost placement, unchanged base first): chr7-150947370-TCGCCCCGGGGC-T. GRCh37 (hg19) VCF-style: chr7-150644458-TCGCCCCGGGGC-T.
Other names: c.2079_2089del, p.Pro694fs (NM_172057.3); c.3099_3109delGCCCCGGGGCG (NM_000238.2, NM_000238.3); short protein forms P694fs, P1034fs.
Identifiers: ClinVar variation 200697 (VCV000200697.16), dbSNP rs794728466, ClinGen allele CA007922.
Genomic context (GRCh38, chr7:150,947,370, plus strand): 5'-CCACCTGCACTCCCTCACCTGTTGAGCTGGCGCTGGAGGGCATCCAGCCTGCTCTCCACG[TCGCCCCGGGGC>T]CGCCGACCCGGGCTGGAGAGGGGGATGTTGAGGAGGCTGGGGGTGGGGGCGGGGCATCGA-3'

ClinVar aggregate classification (germline): Pathogenic/Likely pathogenic. Review status: criteria provided, multiple submitters, no conflicts (2 of 4 stars). 4 submissions from 4 submitters: Pathogenic (2); Likely pathogenic (2). Last evaluated 2026-01-27.

Conditions:
Cardiovascular phenotype. Identifiers: MedGen CN230736.
Long QT syndrome (LQTS). Identifiers: MedGen C0023976, MeSH D008133, MONDO:0002442. Disease mechanism: loss of function. Inheritance: Various modes of inheritance.

Submissions (4):

Labcorp Genetics (formerly Invitae), Labcorp
Classification: Pathogenic for Long QT syndrome. Last evaluated: 2026-01-27. Review status: criteria provided, single submitter. Criteria: Invitae Variant Classification Sherloc (09022015). Collection method: clinical testing. Allele origin: germline.
Comment: This sequence change creates a premature translational stop signal (p.Pro1034Argfs*81) in the KCNH2 gene. While this is not anticipated to result in nonsense mediated decay, it is expected to disrupt the last 126 amino acid(s) of the KCNH2 protein. This variant is not present in population databases (gnomAD no frequency). This premature translational stop signal has been observed in individuals with long QT syndrome (internal data). ClinVar contains an entry for this variant (Variation ID: 200697). This variant disrupts a region of the KCNH2 protein in which other variant(s) (p.Glu1119*) have been determined to be pathogenic (PMID: 27920829). This suggests that this is a clinically significant region of the protein, and that variants that disrupt it are likely to be disease-causing. For these reasons, this variant has been classified as Pathogenic.

Ambry Genetics
Classification: Pathogenic for Cardiovascular phenotype. Last evaluated: 2025-09-02. Review status: criteria provided, single submitter. Criteria: Ambry Variant Classification Scheme 2023. Collection method: clinical testing. Allele origin: germline.
Comment: The c.3099_3109del11 pathogenic mutation, located in coding exon 13 of the KCNH2 gene, results from a deletion of 11 nucleotides at nucleotide positions 3099 to 3109, causing a translational frameshift with a predicted alternate stop codon (p.P1034Rfs*81). This variant was reported in individual(s) with features consistent with long QT syndrome (Ambry internal data). This alteration occurs at the 3' terminus of the gene, is not expected to trigger nonsense-mediated mRNA decay, and impacts the last 11% of the protein. However, premature stop codons are typically deleterious in nature and the impacted region is critical for protein function (Ambry internal data). This variant is considered to be rare based on population cohorts in the Genome Aggregation Database (gnomAD). Based on the supporting evidence, this variant is interpreted as a disease-causing mutation.

GeneDx
Classification: Likely pathogenic. Last evaluated: 2022-03-01. Review status: criteria provided, single submitter. Criteria: GeneDx Variant Classification Process June 2021. Collection method: clinical testing. Allele origin: germline. Affected: yes.
Comment: Has not been previously published as pathogenic or benign to our knowledge; Not observed at significant frequency in large population cohorts (gnomAD); Frameshift variant predicted to result in protein truncation, as the last 126 amino acids are replaced with 80 different amino acids, and other loss-of-function variants have been reported downstream in HGMD

Stanford Center for Inherited Cardiovascular Disease, Stanford University
Classification: Likely pathogenic. Last evaluated: 2017-07-06. Review status: criteria provided, single submitter. Criteria: ACMG Guidelines, 2015. Collection method: provider interpretation. Allele origin: germline.

Literature cited by the submitters: PubMed 27920829 (cited by Labcorp Genetics (formerly Invitae), Labcorp); PubMed 15572050 (cited by Ambry Genetics); PubMed 21483829 (cited by Ambry Genetics).